The following is an entry in ClinVar:

ClinVar aggregate classification (germline): Uncertain significance (0 of 4 stars; one submission).

Conditions:
DST-related disorder. Also called: DST-related condition; DST-related disorders.

Allele frequency attached by ClinVar (database versions not stated): ExAC 0.00001; gnomAD exomes 0.00001.
gnomAD v4.1: 4 of 1,610,236 alleles (0.00025%); highest among the groups gnomAD compares: Admixed American, 0.0017%; no homozygotes.

Submission:

PreventionGenetics, part of Exact Sciences
Classification: Uncertain significance for DST-related condition. Last evaluated: 2024-02-09. Review status: no assertion criteria provided. Collection method: clinical testing. Allele origin: germline.
Comment: The DST c.9676G>C variant is predicted to result in the amino acid substitution p.Asp3226His. To our knowledge, this variant has not been reported in the literature. This variant is reported in 0.00089% of alleles in individuals of European (Non-Finnish) descent in gnomAD. At this time, the clinical significance of this variant is uncertain due to the absence of conclusive functional and genetic evidence.

NM_001374736.1(DST):c.16033G>C (p.Asp5345His)

Gene: DST (dystonin; minus strand). Cytogenetic location: 6p12.1.
Variant type: single nucleotide variant.
Coding change: c.16033G>C on transcript NM_001374736.1 (MANE Select); coding-DNA position 16033, G replaced by C.
Protein change: p.Asp5345His; replaces aspartic acid 5345 with histidine.
Molecular consequence: missense variant.
Genome position (GRCh38, 1-based): chr6:56,552,759, C>G on the plus strand (G>C on the coding strand, the complement: DST is on the minus strand). VCF-style: chr6-56552759-C-G. GRCh37 (hg19) VCF-style: chr6-56417557-C-G.
Other names: c.9676G>C, p.Asp3226His (NM_001144769.5); c.9262G>C, p.Asp3088His (NM_001144770.2); c.16033G>C, p.Asp5345His (NM_001374722.1); c.15400G>C, p.Asp5134His (NM_001374729.1); c.9142G>C, p.Asp3048His (NM_001374730.1, NM_001386100.1, NM_183380.4); c.16060G>C, p.Asp5354His (NM_001374734.1); c.8164G>C, p.Asp2722His (NM_015548.5); short protein forms D2722H, D3048H, D3088H, D3226H, D5134H, D5345H, D5354H.
Identifiers: ClinVar variation 3055609 (VCV003055609.2), dbSNP rs758371618, ClinGen allele CA3867740.
Genomic context (GRCh38, chr6:56,552,759, plus strand): 5'-TACTATGCTCTTGAGCTATGGTTTCCACTTGTAATAAAACATCAGAGGTTCCCTTTGAGT[C>G]TGAGGCCTCTACCACAAGGTCCTGTGCAAGTCTTTTAGCCAAATCTACCTGATGCTTCAA-3'
Protein context (NP_001361665.1, residues 5335-5355): LAQDLVVEAS[Asp5345His]SKGTSDVLLQ